The following is an entry in ClinVar:

NM_001042492.3(NF1):c.2409+1G>C

Gene: NF1 (neurofibromin 1; plus strand). Cytogenetic location: 17q11.2.
Variant type: single nucleotide variant.
Coding change: c.2409+1G>C on transcript NM_001042492.3 (MANE Select); the canonical splice donor site of the intron after coding-DNA position 2409, G replaced by C.
Molecular consequence: splice donor variant.
Genome position (GRCh38, 1-based): chr17:31,227,607, G>C. VCF-style: chr17-31227607-G-C. GRCh37 (hg19) VCF-style: chr17-29554625-G-C.
Other names: c.2409+1G>C (NM_000267.4).
Identifiers: ClinVar variation 484037 (VCV000484037.16), dbSNP rs1555614022, ClinGen allele CA398983342.

ClinVar aggregate classification (germline): Pathogenic/Likely pathogenic. Review status: criteria provided, multiple submitters, no conflicts (2 of 4 stars). 8 submissions from 8 submitters: Pathogenic (7); Likely pathogenic (1). Last evaluated 2026-03-28.

Conditions:
Hereditary cancer-predisposing syndrome. Also called: Hereditary Cancer Syndrome; Tumor predisposition; Neoplastic Syndromes, Hereditary; Hereditary neoplastic syndrome. Identifiers: Orphanet 140162, MedGen C0027672, MeSH D009386, MONDO:0015356.
Cardiovascular phenotype. Identifiers: MedGen CN230736.
Neurofibromatosis, type 1 (NF1). Also called: VON RECKLINGHAUSEN DISEASE; Peripheral type neurofibromatosis; Neurofibromatosis, type I; NEUROFIBROMATOSIS, TYPE I, SOMATIC. Identifiers: Orphanet 636, MedGen C0027831, MONDO:0018975, OMIM 162200. Disease mechanism: loss of function.

gnomAD v4.1: 1 of 1,613,370 alleles (0.000062%); highest among the groups gnomAD compares: Non-Finnish European, 0.000085%; no homozygotes.

Submissions (8):

Dasa
Classification: Pathogenic. Last evaluated: 2026-03-28. Review status: criteria provided, single submitter. Criteria: DASA Assertion Criteria. Collection method: clinical testing. Allele origin: germline.
Comment: NM_001042492.3(NF1):c.2409+1G>C affects a canonical splice site and is predicted to disrupt normal RNA splicing, leading to loss of normal protein function. Loss-of-function is an established mechanism of disease for this gene. This variant results in the same amino acid change as a previously established pathogenic variant. This variant has been reported in individuals with related phenotype (PMID: 40410838). The variant is present at low frequency in population datasets. Based on the available data, this variant is classified as pathogenic.

Labcorp Genetics (formerly Invitae), Labcorp
Classification: Pathogenic for Neurofibromatosis, type 1. Last evaluated: 2025-11-13. Review status: criteria provided, single submitter. Criteria: Invitae Variant Classification Sherloc (09022015). Collection method: clinical testing. Allele origin: germline.
Comment: This sequence change affects a donor splice site in intron 20 of the NF1 gene. It is expected to disrupt RNA splicing. Variants that disrupt the donor or acceptor splice site typically lead to a loss of protein function (PMID: 16199547), and loss-of-function variants in NF1 are known to be pathogenic (PMID: 10712197, 23913538). This variant is not present in population databases (gnomAD no frequency). Disruption of this splice site has been observed in individuals with neurofibromatosis type 1 and pheochromocytoma (PMID: 17426081, 21520333). Invitae Evidence Modeling of clinical and family history, age, sex, and reported ancestry of multiple individuals with this NF1 variant has been performed. This variant is expected to be pathogenic with a positive predictive value of at least 99%. This is a validated machine learning model that incorporates the clinical features of 1,785,918 individuals referred to our laboratory for NF1 testing. ClinVar contains an entry for this variant (Variation ID: 484037). Algorithms developed to predict the effect of sequence changes on RNA splicing suggest that this variant may disrupt the consensus splice site. For these reasons, this variant has been classified as Pathogenic.

GeneDx
Classification: Pathogenic. Last evaluated: 2024-12-09. Review status: criteria provided, single submitter. Criteria: GeneDx Variant Classification Process June 2021. Collection method: clinical testing. Allele origin: germline. Affected: yes.
Comment: Canonical splice site variant predicted to result in an in-frame loss of the adjacent exon in a gene for which loss of function is a known mechanism of disease; Deletions involving coding exons of this gene are a known mechanism of disease (HGMD); Not observed at significant frequency in large population cohorts (gnomAD); This variant is associated with the following publications: (PMID: 25525159, 25486365, 17426081)

Division of Genetic & Genomic Pathology, Hong Kong Children's Hospital
Classification: Likely pathogenic for Neurofibromatosis, type 1. Last evaluated: 2024-05-23. Review status: criteria provided, single submitter. Criteria: ACMG Guidelines, 2015. Collection method: clinical testing. Allele origin: germline. Affected: yes.
Comment: NM_000267.3(NF1):c.2409+1G>C p.? is a splicing variant in intron 20 of the gene, affecting the canonical donor splice site. The variant is present at a very low frequency from control populations (gnomAD v4.1.0: total 1 in 1,613,370 alleles), and has been reported in multiple patients with neurofibromatosis (PMID: 17426081, 36553485 and ClinVar: VCV000484037.11). For these reasons, this variant is classified as likely pathogenic.

Genome-Nilou Lab
Classification: Pathogenic for Neurofibromatosis, type 1. Last evaluated: 2022-03-15. Review status: criteria provided, single submitter. Criteria: ACMG Guidelines, 2015. Collection method: clinical testing. Allele origin: germline. Affected: no.

Genome Diagnostics Laboratory, The Hospital for Sick Children
Classification: Pathogenic for Neurofibromatosis, type 1. Last evaluated: 2020-10-26. Review status: criteria provided, single submitter. Criteria: ACMG Guidelines, 2015. Collection method: clinical testing. Allele origin: germline. Affected: yes.

Center for Human Genetics, Inc
Classification: Pathogenic for Neurofibromatosis, type 1. Last evaluated: 2016-11-01. Review status: criteria provided, single submitter. Criteria: ACMG Guidelines, 2015. Collection method: clinical testing. Allele origin: germline. Affected: yes.

Ambry Genetics
Classification: Pathogenic for Cardiovascular phenotype; Hereditary cancer-predisposing syndrome. Last evaluated: 2016-05-14. Review status: criteria provided, single submitter. Criteria: Ambry Variant Classification Scheme 2023. Collection method: clinical testing. Allele origin: germline.
Comment: The c.2409+1G>C intronic pathogenic mutation results from a G to C substitution one nucleotide after coding exon 20 of the NF1 gene. This alteration was reported in a cohort of individuals with pheochromocytoma and a clinical diagnosis of NF1 in an individual with multiple neurofibromas and cafe-au-lait spots (Bausch B, J. Clin. Endocrinol. Metab. 2007 Jul; 92(7):2784-92). In addition, this alteration was considered to be disruptive to splicing based on computational algorithms to predict splicing effects (Xiong HY, Science 2015 Jan; 347(6218):1254806). In addition to the clinical data presented in the literature, since alterations that disrupt the canonical splice donor site are typically deleterious in nature, this alteration is interpreted as a disease-causing mutation (ACMG Recommendations for Standards for Interpretation and Reporting of Sequence Variations. Revision 2007. Genet Med. 2008;10:294).

Literature cited by the submitters: PubMed 40410838 (cited by Dasa); PubMed 16199547 (cited by Labcorp Genetics (formerly Invitae), Labcorp); PubMed 10712197 (cited by Labcorp Genetics (formerly Invitae), Labcorp); PubMed 23913538 (cited by Labcorp Genetics (formerly Invitae), Labcorp); PubMed 17426081 (cited by Labcorp Genetics (formerly Invitae), Labcorp and Division of Genetic & Genomic Pathology, Hong Kong Children's Hospital); PubMed 21520333 (cited by Labcorp Genetics (formerly Invitae), Labcorp); PubMed 36553485 (cited by Division of Genetic & Genomic Pathology, Hong Kong Children's Hospital).